The following is an entry in ClinVar:

ClinVar aggregate classification (germline): Uncertain significance (1 of 4 stars; one submission).

gnomAD v4.1: 1 of 1,612,644 alleles (0.000062%); highest among the groups gnomAD compares: Non-Finnish European, 0.000085%; no homozygotes.

Submission:

GeneDx
Classification: Uncertain significance. Last evaluated: 2024-06-14. Review status: criteria provided, single submitter. Criteria: GeneDx Variant Classification Process June 2021. Collection method: clinical testing. Allele origin: germline. Affected: yes.
Comment: Not observed at significant frequency in large population cohorts (gnomAD); In silico analysis supports that this missense variant has a deleterious effect on protein structure/function; Has not been previously published as pathogenic or benign to our knowledge

NM_144973.4(DENND5B):c.3618G>T (p.Gln1206His)

Gene: DENND5B (DENN domain containing 5B; minus strand). Cytogenetic location: 12p11.21.
Variant type: single nucleotide variant.
Coding change: c.3618G>T on transcript NM_144973.4 (MANE Select); coding-DNA position 3618, G replaced by T.
Protein change: p.Gln1206His; replaces glutamine 1206 with histidine.
Molecular consequence: missense variant.
Genome position (GRCh38, 1-based): chr12:31,389,347, C>A on the plus strand (G>T on the coding strand, the complement: DENND5B is on the minus strand). VCF-style: chr12-31389347-C-A. GRCh37 (hg19) VCF-style: chr12-31542281-C-A.
Other names: c.3723G>T, p.Gln1241His (NM_001308339.2); short protein forms Q1206H, Q1241H.
Identifiers: ClinVar variation 3390523 (VCV003390523.1).